The following is an entry in ClinVar:

ClinVar aggregate classification (germline): Uncertain significance (1 of 4 stars; one submission).

gnomAD v4.1: 5 of 1,614,204 alleles (0.00031%); highest among the groups gnomAD compares: Non-Finnish European, 0.00042%; no homozygotes.

Submission:

GeneDx
Classification: Uncertain significance. Last evaluated: 2022-04-19. Review status: criteria provided, single submitter. Criteria: GeneDx Variant Classification Process June 2021. Collection method: clinical testing. Allele origin: germline. Affected: yes.
Comment: Not observed at significant frequency in large population cohorts (gnomAD); In silico analysis supports that this missense variant does not alter protein structure/function; Has not been previously published as pathogenic or benign to our knowledge

NM_016239.4(MYO15A):c.7728C>G (p.Ile2576Met)

Gene: MYO15A (myosin XVA; plus strand). Cytogenetic location: 17p11.2.
Variant type: single nucleotide variant.
Coding change: c.7728C>G on transcript NM_016239.4 (MANE Select); coding-DNA position 7728, C replaced by G.
Protein change: p.Ile2576Met; replaces isoleucine 2576 with methionine.
Molecular consequence: missense variant.
Genome position (GRCh38, 1-based): chr17:18,151,468, C>G. VCF-style: chr17-18151468-C-G. GRCh37 (hg19) VCF-style: chr17-18054782-C-G.
Other names: short protein forms I2576M.
Identifiers: ClinVar variation 1712109 (VCV001712109.2), dbSNP rs775174169, ClinGen allele CA8424930.